The following is an entry in ClinVar:

NM_001365536.1(SCN9A):c.3556T>A (p.Tyr1186Asn)

Genes: SCN1A-AS1 (SCN1A and SCN9A antisense RNA 1; plus strand), SCN9A (sodium voltage-gated channel alpha subunit 9; minus strand). Cytogenetic location: 2q24.3.
Variant type: single nucleotide variant.
Coding change: c.3556T>A on transcript NM_001365536.1 (MANE Select); coding-DNA position 3556, T replaced by A.
Protein change: p.Tyr1186Asn; replaces tyrosine 1186 with asparagine.
Molecular consequence: missense variant.
Genome position (GRCh38, 1-based): chr2:166,242,573, A>T on the plus strand (T>A on the coding strand, the complement: SCN9A is on the minus strand). VCF-style: chr2-166242573-A-T. GRCh37 (hg19) VCF-style: chr2-167099083-A-T.
Other names: c.3523T>A, p.Tyr1175Asn (NM_002977.4); short protein forms Y1186N, Y1175N.
Identifiers: ClinVar variation 1732289 (VCV001732289.7), dbSNP rs1298094800, ClinGen allele CA349070332.
Genomic context (GRCh38, chr2:166,242,573, plus strand): 5'-TGCTGAGCAGGATCATGAGGACAATGAAGCTTTCAAACCAACTGTGTTCAACAATCTTGT[A>T]GCAGGTTTTCCTGATGTTCCACCAGATTTTTCCTTTCCCTGACTCTATGTTAACTTGGCA-3'
Protein context (NP_001352465.1, residues 1176-1196): KIWWNIRKTC[Tyr1186Asn]KIVEHSWFES

ClinVar aggregate classification (germline): Uncertain significance. Review status: criteria provided, multiple submitters, no conflicts (2 of 4 stars). 2 submissions from 2 submitters: Uncertain significance (2). Last evaluated 2026-01-06.

Conditions:
Neuropathy, hereditary sensory and autonomic, type 2A (HSAN2A). Also called: ACROOSTEOLYSIS, GIACCAI TYPE; ACROOSTEOLYSIS, NEUROGENIC; MORVAN DISEASE; NEUROPATHY, CONGENITAL SENSORY; NEUROPATHY, HEREDITARY SENSORY RADICULAR, AUTOSOMAL RECESSIVE; NEUROPATHY, HEREDITARY SENSORY, TYPE IIA. Identifiers: Orphanet 970, MedGen C2752089, MONDO:0024309, OMIM 201300.
Generalized epilepsy with febrile seizures plus, type 7 (GEFSP7). Also called: GEFS+, TYPE 7. Identifiers: Orphanet 36387, MedGen C2751778, MONDO:0013470, OMIM 613863.
Inborn genetic diseases. Identifiers: MedGen C0950123, MeSH D030342.

Allele frequency attached by ClinVar (database versions not stated): gnomAD exomes below 0.00001; gnomAD 0.00002.
gnomAD v4.1: 5 of 1,578,906 alleles (0.00032%); highest among the groups gnomAD compares: Non-Finnish European, 0.00043%; no homozygotes.

Submissions (2):

Labcorp Genetics (formerly Invitae), Labcorp
Classification: Uncertain significance for Neuropathy, hereditary sensory and autonomic, type 2A; Generalized epilepsy with febrile seizures plus, type 7. Last evaluated: 2026-01-06. Review status: criteria provided, single submitter. Criteria: Invitae Variant Classification Sherloc (09022015). Collection method: clinical testing. Allele origin: germline.
Comment: This sequence change replaces tyrosine, which is neutral and polar, with asparagine, which is neutral and polar, at codon 1175 of the SCN9A protein (p.Tyr1175Asn). This variant is present in population databases (no rsID available, gnomAD 0.001%). This missense change has been observed in individual(s) with autism (PMID: 27956748). ClinVar contains an entry for this variant (Variation ID: 1732289). Invitae Evidence Modeling of protein sequence and biophysical properties (such as structural, functional, and spatial information, amino acid conservation, physicochemical variation, residue mobility, and thermodynamic stability) indicates that this missense variant is not expected to disrupt SCN9A protein function with a negative predictive value of 95%. In summary, the available evidence is currently insufficient to determine the role of this variant in disease. Therefore, it has been classified as a Variant of Uncertain Significance.

Ambry Genetics
Classification: Uncertain significance for Inborn genetic diseases. Last evaluated: 2021-07-14. Review status: criteria provided, single submitter. Criteria: Ambry Variant Classification Scheme 2023. Collection method: clinical testing. Allele origin: germline.
Comment: The p.Y1175N variant (also known as c.3523T>A), located in coding exon 18 of the SCN9A gene, results from a T to A substitution at nucleotide position 3523. The tyrosine at codon 1175 is replaced by asparagine, an amino acid with dissimilar properties. This amino acid position is well conserved in available vertebrate species. In addition, the in silico prediction for this alteration is inconclusive. Since supporting evidence is limited at this time, the clinical significance of this alteration remains unclear.

Literature cited by the submitters: PubMed 27956748 (cited by Labcorp Genetics (formerly Invitae), Labcorp).